The following is an entry in ClinVar:

ClinVar aggregate classification (germline): Conflicting classifications of pathogenicity. Review status: criteria provided, conflicting classifications (1 of 4 stars). 6 submissions from 6 submitters: Uncertain significance (5); Likely benign (1). Last evaluated 2026-04-15.

Conditions:
Hereditary pheochromocytoma and paraganglioma. Also called: Hereditary pheochromocytoma-paraganglioma; Hereditary Paraganglioma-Pheochromocytoma Syndromes; Hereditary paragangliomas and pheochromocytomas. Identifiers: Orphanet 29072, MedGen C4274332, MONDO:0017366.
Paragangliomas with sensorineural hearing loss. Identifiers: MedGen C1868633.
Cowden syndrome 3 (CWS3). Identifiers: Orphanet 201, MedGen CN166604, MONDO:0014045.
Pheochromocytoma. Also called: MAX-Related Hereditary Paraganglioma-Pheochromocytoma Syndrome. Identifiers: Orphanet 29072, MedGen C0031511, MONDO:0008233, OMIM 171300, HP:0002666.
Carney-Stratakis syndrome. Also called: PARAGANGLIOMA AND GASTROINTESTINAL STROMAL TUMOR. Identifiers: Orphanet 97286, MedGen C1847319, MONDO:0011740, OMIM 606864.
Hereditary cancer-predisposing syndrome. Also called: Hereditary Cancer Syndrome; Neoplastic Syndromes, Hereditary; Hereditary neoplastic syndrome; Tumor predisposition. Identifiers: Orphanet 140162, MedGen C0027672, MeSH D009386, MONDO:0015356.

Allele frequency attached by ClinVar (database versions not stated): gnomAD exomes below 0.00001.
gnomAD v4.1: 2 of 1,612,080 alleles (0.00012%); highest among the groups gnomAD compares: East Asian, 0.0045%; no homozygotes.

Submissions (6):

Ambry Genetics
Classification: Uncertain significance for Hereditary cancer-predisposing syndrome. Last evaluated: 2026-04-15. Review status: criteria provided, single submitter. Criteria: Ambry Variant Classification Scheme 2023. Collection method: clinical testing. Allele origin: germline.

Labcorp Genetics (formerly Invitae), Labcorp
Classification: Uncertain significance for Carney-Stratakis syndrome; Paragangliomas with sensorineural hearing loss; Pheochromocytoma; Cowden syndrome 3. Last evaluated: 2025-08-05. Review status: criteria provided, single submitter. Criteria: Invitae Variant Classification Sherloc (09022015). Collection method: clinical testing. Allele origin: germline.
Comment: This sequence change replaces aspartic acid, which is acidic and polar, with glutamic acid, which is acidic and polar, at codon 118 of the SDHD protein (p.Asp118Glu). This variant is present in population databases (no rsID available, gnomAD 0.006%). This variant has not been reported in the literature in individuals affected with SDHD-related conditions. ClinVar contains an entry for this variant (Variation ID: 842426). Invitae Evidence Modeling of protein sequence and biophysical properties (such as structural, functional, and spatial information, amino acid conservation, physicochemical variation, residue mobility, and thermodynamic stability) indicates that this missense variant is not expected to disrupt SDHD protein function with a negative predictive value of 95%. In summary, the available evidence is currently insufficient to determine the role of this variant in disease. Therefore, it has been classified as a Variant of Uncertain Significance.

All of Us Research Program, National Institutes of Health
Classification: Uncertain significance for Hereditary pheochromocytoma and paraganglioma. Last evaluated: 2024-03-05. Review status: criteria provided, single submitter. Criteria: ACMG Guidelines, 2015. Collection method: clinical testing. Allele origin: germline. Inheritance: Autosomal dominant inheritance. Observed: 2 variant alleles, 2 heterozygotes.
Comment: This missense variant replaces aspartic acid with glutamic acid at codon 118 of the SDHD protein. Computational prediction suggests that this variant may not impact protein structure and function (internally defined REVEL score threshold <= 0.5, PMID: 27666373). To our knowledge, functional studies have not been reported for this variant. This variant has not been reported in individuals affected with SDHD-related disorders in the literature. This variant has been identified in 1/250792 chromosomes in the general population by the Genome Aggregation Database (gnomAD). The available evidence is insufficient to determine the role of this variant in disease conclusively. Therefore, this variant is classified as a Variant of Uncertain Significance.

This study involves interpretation of variants in research participants for the purpose of population health screening. Participant phenotype was not available at the time of variant classification. Additional details can be found in publication PMID: 35346344, PMCID: PMC8962531

GeneDx
Classification: Uncertain significance. Last evaluated: 2024-02-05. Review status: criteria provided, single submitter. Criteria: GeneDx Variant Classification Process June 2021. Collection method: clinical testing. Allele origin: germline. Affected: yes.
Comment: Not observed at significant frequency in large population cohorts (gnomAD); In silico analysis supports that this missense variant does not alter protein structure/function; Observed in an individual with an intrarenal pheochromocytoma (PMID: 16061554); This variant is associated with the following publications: (PMID: 22904323, 26273102, 16061554)

Quest Diagnostics Nichols Institute San Juan Capistrano
Classification: Uncertain significance. Last evaluated: 2023-10-24. Review status: criteria provided, single submitter. Criteria: Quest Diagnostics criteria. Collection method: clinical testing. Allele origin: unknown.
Comment: The SDHD c.354T>G (p.Asp118Glu) variant has not been reported in individuals with SDHD-related conditions in the published literature. The frequency of this variant in the general population, 0.000004 (1/250792 chromosomes (Genome Aggregation Database)), is uninformative in the assessment of its pathogenicity. Analysis of this variant using bioinformatics tools for the prediction of the effect of amino acid changes on protein structure and function yielded predictions that this variant is benign. Based on the available information, we are unable to determine the clinical significance of this variant.

Blueprint Genetics
Classification: Likely benign. Last evaluated: 2022-05-31. Review status: criteria provided, single submitter. Criteria: ACMG Guidelines, 2015. Collection method: clinical testing. Allele origin: germline.

NM_003002.4(SDHD):c.354T>G (p.Asp118Glu)

Gene: SDHD (succinate dehydrogenase complex subunit D; plus strand). Cytogenetic location: 11q23.1.
Variant type: single nucleotide variant.
Coding change: c.354T>G on transcript NM_003002.4 (MANE Select); coding-DNA position 354, T replaced by G.
Protein change: p.Asp118Glu; replaces aspartic acid 118 with glutamic acid.
Molecular consequence: missense variant. On other transcripts: 3 prime UTR variant (1), non-coding transcript variant (1).
Genome position (GRCh38, 1-based): chr11:112,094,844, T>G. VCF-style: chr11-112094844-T-G. GRCh37 (hg19) VCF-style: chr11-111965568-T-G.
Other names: c.209T>G, p.Met70Arg (NM_001276503.2); c.237T>G, p.Asp79Glu (NM_001276504.2); c.*52T>G (NM_001276506.2); short protein forms D118E, D79E, M70R.
Identifiers: ClinVar variation 842426 (VCV000842426.20), dbSNP rs911663426, ClinGen allele CA382618935.